The following is an entry in ClinVar:

ClinVar aggregate classification (germline): Uncertain significance (1 of 4 stars; one submission).

Conditions:
Inborn genetic diseases. Identifiers: MedGen C0950123, MeSH D030342.

Submission:

Ambry Genetics
Classification: Uncertain significance for Inborn genetic diseases. Last evaluated: 2024-05-14. Review status: criteria provided, single submitter. Criteria: Ambry Variant Classification Scheme 2023. Collection method: clinical testing. Allele origin: germline.
Comment: The p.F121Y variant (also known as c.362T>A), located in coding exon 4 of the BUB1B gene, results from a T to A substitution at nucleotide position 362. The phenylalanine at codon 121 is replaced by tyrosine, an amino acid with highly similar properties. This amino acid position is conserved. In addition, this alteration is predicted to be tolerated by in silico analysis. Based on the available evidence, the clinical significance of this variant remains unclear.

NM_001211.6(BUB1B):c.362T>A (p.Phe121Tyr)

Gene: BUB1B (BUB1 mitotic checkpoint serine/threonine kinase B; plus strand). Cytogenetic location: 15q15.1.
Variant type: single nucleotide variant.
Coding change: c.362T>A on transcript NM_001211.6 (MANE Select); coding-DNA position 362, T replaced by A.
Protein change: p.Phe121Tyr; replaces phenylalanine 121 with tyrosine.
Molecular consequence: missense variant.
Genome position (GRCh38, 1-based): chr15:40,170,659, T>A. VCF-style: chr15-40170659-T-A. GRCh37 (hg19) VCF-style: chr15-40462860-T-A.
Other names: short protein forms F121Y.
Identifiers: ClinVar variation 3262259 (VCV003262259.1).
Genomic context (GRCh38, chr15:40,170,659, plus strand): 5'-TATTAGAAAGAGCTGTAGAAGCACTACAAGGAGAAAAACGATATTATAGTGATCCTCGAT[T>A]TCTCAATCTCTGGCTTAAATTAGTAAGTCTTTCTCAAGTGCCATCTGAGTTTTAAATATT-3'
Protein context (NP_001202.5, residues 111-131): GEKRYYSDPR[Phe121Tyr]LNLWLKLGRL